The following is an entry in ClinVar:

ClinVar aggregate classification (germline): Conflicting classifications of pathogenicity. Review status: criteria provided, conflicting classifications (1 of 4 stars). 4 submissions from 4 submitters: Likely pathogenic (2); Uncertain significance (2). Last evaluated 2025-03-22.

Conditions:
CFTR-related disorder (CFTR-RD). Also called: CFTR-related condition; CFTR-related disorders. Identifiers: MedGen C5924204, MONDO:7770004.
Cystic fibrosis (CF). Also called: MUCOVISCIDOSIS. Identifiers: Orphanet 586, MedGen C0010674, MONDO:0009061, OMIM 219700. Disease mechanism: loss of function.

Submissions (4):

Natera, Inc.
Classification: Likely pathogenic for CFTR-related disorders. Last evaluated: 2025-03-22. Review status: criteria provided, single submitter. Criteria: Natera Variant Classification Schema (03/2026). Collection method: clinical testing. Allele origin: germline.
Comment: The c.449T>A variant in CFTR is a missense variant predicted to cause substitution of methionine to lysine at amino acid 150. This variant is rare in the general population with a frequency below the threshold expected for the associated phenotype(s). This variant has been observed in one or more individuals affected with the associated recessive disease, as either homozygous or compound heterozygous with a second variant (PMID: 16980811). Functional studies show that this variant may disrupt protein function (PMID: 38388235). Computational prediction algorithms indicate this variant is likely to affect gene or protein function. Given the available evidence, this variant is classified as Likely Pathogenic.

Women's Health and Genetics/Laboratory Corporation of America, LabCorp
Classification: Likely pathogenic for Cystic fibrosis. Last evaluated: 2024-11-04. Review status: criteria provided, single submitter. Criteria: LabCorp Variant Classification Summary - May 2015. Collection method: clinical testing. Allele origin: germline.
Comment: Variant summary: CFTR c.449T>A (p.Met150Lys) results in a non-conservative amino acid change located in the ABC transporter type 1, transmembrane domain (IPR036640) of the encoded protein sequence. Five of five in-silico tools predict a damaging effect of the variant on protein function. The variant was absent in 250350 control chromosomes. The available data on variant occurrences in the general population are insufficient to allow any conclusion about variant significance. c.449T>A has been reported in the literature in the simple heterozygous or presumed compound heterozygous state in individuals affected with Cystic Fibrosis (example, Dorfman_2010, Kammesheidt_2006). These data do not allow any conclusion about variant significance. At least one publication reports experimental evidence evaluating an impact on protein function. The most pronounced variant effect resulted in approximately 0.41% of normal chloride channel conductance relative to wild type (e.g., Bihler_2024). The following publications have been ascertained in the context of this evaluation (PMID: 38388235, 20059485, 16980811). ClinVar contains an entry for this variant (Variation ID: 801156). Based on the evidence outlined above, the variant was classified as likely pathogenic.

Institute of Human Genetics, University of Leipzig Medical Center
Classification: Uncertain significance for Cystic fibrosis. Last evaluated: 2022-09-05. Review status: criteria provided, single submitter. Criteria: ACMG Guidelines, 2015. Collection method: curation. Allele origin: unknown. Affected: yes. Observed: 1 variant allele.
Comment: The variant was classified in the context of a project re-classifying variants in the German Cystic Fibrosis Registry (Muko.e.V.). Criteria applied: PM3, PM2_SUP, PP3, PP4

Quest Diagnostics Nichols Institute San Juan Capistrano
Classification: Uncertain significance. Last evaluated: 2019-05-31. Review status: criteria provided, single submitter. Criteria: Quest Diagnostics criteria. Collection method: clinical testing. Allele origin: germline.

Literature cited by the submitters: PubMed 16980811 (cited by Natera, Inc. and Women's Health and Genetics/Laboratory Corporation of America, LabCorp); PubMed 38388235 (cited by Natera, Inc. and Women's Health and Genetics/Laboratory Corporation of America, LabCorp); PubMed 20059485 (cited by Women's Health and Genetics/Laboratory Corporation of America, LabCorp); PubMed 23470247 (cited by Quest Diagnostics Nichols Institute San Juan Capistrano); PubMed 23810505 (cited by Quest Diagnostics Nichols Institute San Juan Capistrano); PubMed 25900089 (cited by Quest Diagnostics Nichols Institute San Juan Capistrano); PubMed 11788090 (cited by Quest Diagnostics Nichols Institute San Juan Capistrano).

NM_000492.4(CFTR):c.449T>A (p.Met150Lys)

Gene: CFTR (CF transmembrane conductance regulator; plus strand). Cytogenetic location: 7q31.2.
Variant type: single nucleotide variant.
Coding change: c.449T>A on transcript NM_000492.4 (MANE Select); coding-DNA position 449, T replaced by A.
Protein change: p.Met150Lys; replaces methionine 150 with lysine.
Molecular consequence: missense variant.
Genome position (GRCh38, 1-based): chr7:117,531,074, T>A. VCF-style: chr7-117531074-T-A. GRCh37 (hg19) VCF-style: chr7-117171128-T-A.
Other names: short protein forms M150K.
Identifiers: ClinVar variation 801156 (VCV000801156.6), dbSNP rs1562889397, ClinGen allele CA368974943.